The following is an entry in ClinVar:

NM_017780.4(CHD7):c.4565A>G (p.Asp1522Gly)

Gene: CHD7 (chromodomain helicase DNA binding protein 7; plus strand). Cytogenetic location: 8q12.2.
Variant type: single nucleotide variant.
Coding change: c.4565A>G on transcript NM_017780.4 (MANE Select); coding-DNA position 4565, A replaced by G.
Protein change: p.Asp1522Gly; replaces aspartic acid 1522 with glycine.
Molecular consequence: missense variant. On other transcripts: intron variant (1).
Genome position (GRCh38, 1-based): chr8:60,841,675, A>G. VCF-style: chr8-60841675-A-G. GRCh37 (hg19) VCF-style: chr8-61754234-A-G.
Other names: c.1717-20554A>G (NM_001316690.1); short protein forms D1522G.
Identifiers: ClinVar variation 1307511 (VCV001307511.2), dbSNP rs2150786072, ClinGen allele CA371318570.

ClinVar aggregate classification (germline): Uncertain significance (1 of 4 stars; one submission).

Submission:

GeneDx
Classification: Uncertain significance. Last evaluated: 2019-08-15. Review status: criteria provided, single submitter. Criteria: GeneDx Variant Classification Process June 2021. Collection method: clinical testing. Allele origin: germline. Affected: yes.
Comment: Not observed in large population cohorts (Lek et al., 2016); In silico analysis, which includes protein predictors and evolutionary conservation, supports a deleterious effect; In addition, in silico splice predictors suggest this variant may lead to abnormal gene splicing; In the absence of RNA/functional studies, the actual effect of this sequence change is unknown; Has not been previously published as pathogenic or benign to our knowledge